The following is an entry in ClinVar:

NM_170606.3(KMT2C):c.8713G>A (p.Val2905Ile)

Gene: KMT2C (lysine methyltransferase 2C; minus strand). Cytogenetic location: 7q36.1.
Variant type: single nucleotide variant.
Coding change: c.8713G>A on transcript NM_170606.3 (MANE Select); coding-DNA position 8713, G replaced by A.
Protein change: p.Val2905Ile; replaces valine 2905 with isoleucine.
Molecular consequence: missense variant.
Genome position (GRCh38, 1-based): chr7:152,176,740, C>T on the plus strand (G>A on the coding strand, the complement: KMT2C is on the minus strand). VCF-style: chr7-152176740-C-T. GRCh37 (hg19) VCF-style: chr7-151873825-C-T.
Other names: short protein forms V2905I.
Identifiers: ClinVar variation 4084631 (VCV004084631.8).

ClinVar aggregate classification (germline): Likely benign (1 of 4 stars; one submission).

gnomAD v4.1: 3 of 1,614,004 alleles (0.00019%); highest among the groups gnomAD compares: Non-Finnish European, 0.00025%; no homozygotes.

Submission:

CeGaT Center for Human Genetics Tuebingen
Classification: Likely benign. Last evaluated: 2025-07-01. Review status: criteria provided, single submitter. Criteria: CeGaT Center For Human Genetics Tuebingen Variant Classification Criteria Version 2. Collection method: clinical testing. Allele origin: germline. Affected: yes. Observed: 1 variant allele.
Comment: KMT2C: BP4